The following is an entry in ClinVar:

ClinVar aggregate classification (germline): Uncertain significance (1 of 4 stars; one submission).

Conditions:
Charcot-Marie-Tooth disease type 2. Also called: Charcot-Marie-Tooth type 2. Identifiers: Orphanet 64746, MedGen C0270914, MONDO:0018993.

Submission:

Labcorp Genetics (formerly Invitae), Labcorp
Classification: Uncertain significance for Charcot-Marie-Tooth disease type 2. Last evaluated: 2024-08-05. Review status: criteria provided, single submitter. Criteria: Invitae Variant Classification Sherloc (09022015). Collection method: clinical testing. Allele origin: germline.
Comment: This sequence change replaces cysteine, which is neutral and slightly polar, with phenylalanine, which is neutral and non-polar, at codon 684 of the MFN2 protein (p.Cys684Phe). This variant is not present in population databases (gnomAD no frequency). This variant has not been reported in the literature in individuals affected with MFN2-related conditions. Advanced modeling of protein sequence and biophysical properties (such as structural, functional, and spatial information, amino acid conservation, physicochemical variation, residue mobility, and thermodynamic stability) performed at Invitae indicates that this missense variant is expected to disrupt MFN2 protein function with a positive predictive value of 95%. In summary, the available evidence is currently insufficient to determine the role of this variant in disease. Therefore, it has been classified as a Variant of Uncertain Significance.

NM_014874.4(MFN2):c.2051G>T (p.Cys684Phe)

Gene: MFN2 (mitofusin 2; plus strand). Cytogenetic location: 1p36.22.
Variant type: single nucleotide variant.
Coding change: c.2051G>T on transcript NM_014874.4 (MANE Select); coding-DNA position 2051, G replaced by T.
Protein change: p.Cys684Phe; replaces cysteine 684 with phenylalanine.
Molecular consequence: missense variant.
Genome position (GRCh38, 1-based): chr1:12,007,231, G>T. VCF-style: chr1-12007231-G-T. GRCh37 (hg19) VCF-style: chr1-12067288-G-T.
Other names: c.2051G>T, p.Cys684Phe (NM_001127660.2); short protein forms C684F.
Identifiers: ClinVar variation 3661490 (VCV003661490.2).